The following is an entry in ClinVar:

ClinVar aggregate classification (germline): Conflicting classifications of pathogenicity. Review status: criteria provided, conflicting classifications (1 of 4 stars). 2 submissions from 2 submitters: Uncertain significance (1); Likely benign (1). Last evaluated 2025-01-31.

Conditions:
Cardiovascular phenotype. Identifiers: MedGen CN230736.
Brugada syndrome. Also called: Sudden Unexplained Death Syndrome; Sudden Unexplained Nocturnal Death Syndrome (SUNDS); Sudden unexplained nocturnal death syndrome; Sudden unexpected nocturnal death syndrome. Identifiers: Orphanet 130, MedGen C1142166, MONDO:0015263.

Allele frequency attached by ClinVar (database versions not stated): TOPMed 0.00001; gnomAD 0.00003.
gnomAD v4.1: 5 of 1,612,212 alleles (0.00031%); highest among the groups gnomAD compares: South Asian, 0.0011%; no homozygotes.

Submissions (2):

Ambry Genetics
Classification: Likely benign for Cardiovascular phenotype. Last evaluated: 2025-01-31. Review status: criteria provided, single submitter. Criteria: Ambry Variant Classification Scheme 2023. Collection method: clinical testing. Allele origin: germline.

Labcorp Genetics (formerly Invitae), Labcorp
Classification: Uncertain significance for Brugada syndrome. Last evaluated: 2024-04-25. Review status: criteria provided, single submitter. Criteria: Invitae Variant Classification Sherloc (09022015). Collection method: clinical testing. Allele origin: germline.
Comment: This sequence change replaces leucine, which is neutral and non-polar, with isoleucine, which is neutral and non-polar, at codon 996 of the CACNA2D1 protein (p.Leu996Ile). This variant is present in population databases (no rsID available, gnomAD 0.0008%). This variant has not been reported in the literature in individuals affected with CACNA2D1-related conditions. ClinVar contains an entry for this variant (Variation ID: 583050). Algorithms developed to predict the effect of missense changes on protein structure and function output the following: SIFT: "Not Available"; PolyPhen-2: "Benign"; Align-GVGD: "Not Available". The isoleucine amino acid residue is found in multiple mammalian species, which suggests that this missense change does not adversely affect protein function. In summary, the available evidence is currently insufficient to determine the role of this variant in disease. Therefore, it has been classified as a Variant of Uncertain Significance.

NM_000722.4(CACNA2D1):c.2986C>A (p.Leu996Ile)

Gene: CACNA2D1 (calcium voltage-gated channel auxiliary subunit alpha2delta 1; minus strand). Cytogenetic location: 7q21.11.
Variant type: single nucleotide variant.
Coding change: c.2986C>A on transcript NM_000722.4 (MANE Select); coding-DNA position 2986, C replaced by A.
Protein change: p.Leu996Ile; replaces leucine 996 with isoleucine.
Molecular consequence: missense variant.
Genome position (GRCh38, 1-based): chr7:81,959,810, G>T on the plus strand (C>A on the coding strand, the complement: CACNA2D1 is on the minus strand). VCF-style: chr7-81959810-G-T. GRCh37 (hg19) VCF-style: chr7-81589126-G-T.
Other names: c.3022C>A, p.Leu1008Ile (NM_001366867.1); c.2986C>A (NM_000722.2); short protein forms L996I, L1008I.
Identifiers: ClinVar variation 583050 (VCV000583050.12), dbSNP rs1218449046, ClinGen allele CA367881437.